The following is an entry in ClinVar:

ClinVar aggregate classification (germline): Likely benign (1 of 4 stars; one submission).

gnomAD v4.1: 3,352 of 1,612,534 alleles (0.21%); highest among the groups gnomAD compares: Non-Finnish European, 0.27%; 10 homozygotes.

Submission:

CeGaT Center for Human Genetics Tuebingen
Classification: Likely benign. Last evaluated: 2024-10-01. Review status: criteria provided, single submitter. Criteria: CeGaT Center For Human Genetics Tuebingen Variant Classification Criteria Version 2. Collection method: clinical testing. Allele origin: germline. Affected: yes. Observed: 1 variant allele.
Comment: PRKCZ: BP4, BP7

NM_002744.6(PRKCZ):c.1377C>T (p.Asp459=)

Gene: PRKCZ (protein kinase C zeta; plus strand). Cytogenetic location: 1p36.33.
Variant type: single nucleotide variant.
Coding change: c.1377C>T on transcript NM_002744.6 (MANE Select); coding-DNA position 1377, C replaced by T.
Protein change: p.Asp459=; no amino-acid change (aspartic acid 459 retained).
Molecular consequence: synonymous variant. On other transcripts: non-coding transcript variant (1).
Genome position (GRCh38, 1-based): chr1:2,173,988, C>T. VCF-style: chr1-2173988-C-T. GRCh37 (hg19) VCF-style: chr1-2105427-C-T.
Other names: c.828C>T, p.Asp276= (NM_001033581.3, NM_001033582.3); c.1065C>T, p.Asp355= (NM_001242874.3); c.852C>T, p.Asp284= (NM_001350803.2, NM_001350804.2); c.666C>T, p.Asp222= (NM_001350805.2, NM_001350806.2).
Identifiers: ClinVar variation 3388215 (VCV003388215.14).